The following is an entry in ClinVar:

NC_000017.10:g.(41219713_41222944)_(41226539_41228504)del

Gene: BRCA1 (BRCA1 DNA repair associated; minus strand). Cytogenetic location: 17q21.31.
Variant type: Deletion.
Identifiers: ClinVar variation 1098832 (VCV001098832.1).

ClinVar aggregate classification (germline): Pathogenic (1 of 4 stars; one submission).

Conditions:
Hereditary breast ovarian cancer syndrome. Also called: Hereditary breast and ovarian cancer; Hereditary breast and/or ovarian cancer syndrome; Hereditary breast and ovarian cancer syndrome (HBOC); Breast and ovarian cancer; Hereditary breast and ovarian cancer syndrome; BRCA1- and BRCA2-Associated Hereditary Breast and Ovarian Cancer. Identifiers: Orphanet 145, MedGen C0677776, MeSH D061325, MONDO:0003582. Disease mechanism: loss of function.

Submission:

Women's Health and Genetics/Laboratory Corporation of America, LabCorp
Classification: Pathogenic for Hereditary breast ovarian cancer syndrome. Last evaluated: 2021-05-12. Review status: criteria provided, single submitter. Criteria: LabCorp Variant Classification Summary - May 2015. Collection method: clinical testing. Allele origin: germline.
Comment: Variant summary: The variant identified by MLPA or other technology involves the deletion of exons 14-15 in the BRCA1 gene. A presumed nomenclature of c.(4484+1_4485-1)_(4986+1_4987-1)del has been designated for the purposes of this classification. Although exact breakpoints of this deletion are not known, it is expected to result in a frameshift deletion change in the BRCA1 gene, a known mechanism of disease. The variant was absent in 21690 control chromosomes (gnomAD, Structural Variants dataset). Deletion of exons 14-15 (also described in the literature as deletion of exons 15-16 using legacy exon numbering) has been reported in multiple individuals affected with Hereditary Breast And Ovarian Cancer Syndrome (e.g. Casilli_2002, Lecarpentier_2012, Arnold_2014, Rebbeck_2018). These data indicate that the variant is very likely to be associated with disease. Two ClinVar submitters (evaluation after 2014) cite the variant as pathogenic. Based on the evidence outlined above, the variant was classified as pathogenic.

Literature cited by the submitters: PubMed 22762150; PubMed 24825132; PubMed 12203994; PubMed 29446198.